The following is an entry in ClinVar:

ClinVar aggregate classification (germline): Pathogenic/Likely pathogenic. Review status: criteria provided, multiple submitters, no conflicts (2 of 4 stars). 3 submissions from 3 submitters: Pathogenic (2); Likely pathogenic (1). Last evaluated 2026-06-22.

Conditions:
Koolen-de Vries syndrome (KDVS). Identifiers: Orphanet 96169, MedGen C1864871, MONDO:0012496, OMIM 610443.

Submissions (3):

GeneDx
Classification: Pathogenic. Last evaluated: 2026-06-22. Review status: criteria provided, single submitter. Criteria: GeneDx Variant Classification Process June 2021. Collection method: clinical testing. Allele origin: germline.
Comment: Nonsense variant predicted to result in protein truncation or nonsense mediated decay in a gene for which loss of function is a known mechanism of disease; Not observed at significant frequency in large population cohorts (gnomAD); Has not been previously published as pathogenic or benign to our knowledge

Genomic Medicine Center of Excellence, King Faisal Specialist Hospital and Research Centre
Classification: Pathogenic for Koolen-de Vries syndrome. Last evaluated: 2024-03-29. Review status: criteria provided, single submitter. Criteria: ACMG Guidelines, 2015. Collection method: clinical testing. Allele origin: germline.

Centre of Medical Genetics, University Hospital Muenster
Classification: Likely pathogenic. Last evaluated: 2022-05-02. Review status: criteria provided, single submitter. Criteria: ACMG Guidelines, 2015. Collection method: clinical testing. Allele origin: unknown. Affected: yes. Observed: 1 variant allele, 1 heterozygote.
Comment: ACMG categories: PVS1,PM2

NM_015443.4(KANSL1):c.2284C>T (p.Arg762Ter)

Gene: KANSL1 (KAT8 regulatory NSL complex subunit 1). Cytogenetic location: 17q21.31.
Variant type: single nucleotide variant.
Coding change: c.2284C>T on transcript NM_015443.4 (MANE Select); coding-DNA position 2284, C replaced by T.
Protein change: p.Arg762Ter; replaces arginine 762 with a stop codon.
Molecular consequence: nonsense.
Genome position (GRCh38, 1-based): chr17:46,039,135, G>A on the plus strand (C>T on the coding strand, the complement: KANSL1 is on the minus strand). VCF-style: chr17-46039135-G-A. GRCh37 (hg19) VCF-style: chr17-44116501-G-A.
Other names: c.2284C>T, p.Arg762Ter (NM_001193465.2, NM_001193466.2, NM_001379198.1); c.2284C>T (NM_001193466.1); short protein forms R762*.
Identifiers: ClinVar variation 1691568 (VCV001691568.6), dbSNP rs2146363405, ClinGen allele CA399981175.